The following is an entry in ClinVar:

NM_020366.4(RPGRIP1):c.107C>A (p.Pro36Gln)

Gene: RPGRIP1 (RPGR interacting protein 1; plus strand). Cytogenetic location: 14q11.2.
Variant type: single nucleotide variant.
Coding change: c.107C>A on transcript NM_020366.4 (MANE Select); coding-DNA position 107, C replaced by A.
Protein change: p.Pro36Gln; replaces proline 36 with glutamine.
Molecular consequence: missense variant.
Genome position (GRCh38, 1-based): chr14:21,294,698, C>A. VCF-style: chr14-21294698-C-A. GRCh37 (hg19) VCF-style: chr14-21762857-C-A.
Other names: short protein forms P36Q.
Identifiers: ClinVar variation 1370442 (VCV001370442.6), dbSNP rs189509077, ClinGen allele CA257492035.
Genomic context (GRCh38, chr14:21,294,698, plus strand): 5'-GTAAAAATACTGTCCATTTACTGTTTTCTGGGACTTTAGGTAAGAATATGAAAACTCAAC[C>A]ACCCTTGAGCAGGATGAACCGGGAGGAATTGGAGGACAGTTTCTTTCGACTTCGCGAAGA-3'
Protein context (NP_065099.3, residues 26-46): ASKGKNMKTQ[Pro36Gln]PLSRMNREEL

ClinVar aggregate classification (germline): Uncertain significance (1 of 4 stars; one submission).

Conditions:
Cone-rod dystrophy 13 (CORD13). Identifiers: Orphanet 1872, MedGen C2750720, MONDO:0011987, OMIM 608194.
Leber congenital amaurosis 6 (LCA6). Identifiers: Orphanet 65, MedGen C1854260, MONDO:0013446, OMIM 613826.

Allele frequency attached by ClinVar (database versions not stated): TOPMed below 0.00001.

Submission:

Labcorp Genetics (formerly Invitae), Labcorp
Classification: Uncertain significance for Leber congenital amaurosis 6; Cone-rod dystrophy 13. Last evaluated: 2021-07-28. Review status: criteria provided, single submitter. Criteria: Invitae Variant Classification Sherloc (09022015). Collection method: clinical testing. Allele origin: germline.
Comment: This sequence change replaces proline with glutamine at codon 36 of the RPGRIP1 protein (p.Pro36Gln). The proline residue is weakly conserved and there is a moderate physicochemical difference between proline and glutamine. This variant is not present in population databases (ExAC no frequency). This variant has not been reported in the literature in individuals affected with RPGRIP1-related conditions. Algorithms developed to predict the effect of missense changes on protein structure and function are either unavailable or do not agree on the potential impact of this missense change (SIFT: "Tolerated"; PolyPhen-2: "Possibly Damaging"; Align-GVGD: "Class C0"). In summary, the available evidence is currently insufficient to determine the role of this variant in disease. Therefore, it has been classified as a Variant of Uncertain Significance.